The following is an entry in ClinVar:

ClinVar aggregate classification (germline): Uncertain significance. Review status: criteria provided, multiple submitters, no conflicts (2 of 4 stars). 2 submissions from 2 submitters: Uncertain significance (2). Last evaluated 2022-09-19.

Conditions:
Inborn genetic diseases. Identifiers: MedGen C0950123, MeSH D030342.
Charcot-Marie-Tooth disease axonal type 2P. Also called: Charcot-Marie-Tooth Neuropathy Type 2G; CHARCOT-MARIE-TOOTH DISEASE, AXONAL, TYPE 2G; CMT 2G; CHARCOT-MARIE-TOOTH NEUROPATHY, TYPE 2P. Identifiers: Orphanet 300319, Orphanet 99941, MedGen C3280797, MONDO:0013753, OMIM 614436.

Allele frequency attached by ClinVar (database versions not stated): gnomAD exomes below 0.00001 and 0.00001; TOPMed 0.00001; gnomAD 0.00002.
gnomAD v4.1: 9 of 1,600,278 alleles (0.00056%); highest among the groups gnomAD compares: African/African-American, 0.004%; no homozygotes.

Submissions (2):

Ambry Genetics
Classification: Uncertain significance for Inborn genetic diseases. Last evaluated: 2022-09-19. Review status: criteria provided, single submitter. Criteria: Ambry Variant Classification Scheme 2023. Collection method: clinical testing. Allele origin: germline.

Labcorp Genetics (formerly Invitae), Labcorp
Classification: Uncertain significance for Charcot-Marie-Tooth disease axonal type 2P. Last evaluated: 2019-04-06. Review status: criteria provided, single submitter. Criteria: Invitae Variant Classification Sherloc (09022015). Collection method: clinical testing. Allele origin: germline.
Comment: This sequence change replaces arginine with cysteine at codon 383 of the LRSAM1 protein (p.Arg383Cys). The arginine residue is highly conserved and there is a large physicochemical difference between arginine and cysteine. This variant is not present in population databases (ExAC no frequency). This variant has not been reported in the literature in individuals with LRSAM1-related conditions. Algorithms developed to predict the effect of missense changes on protein structure and function (SIFT, PolyPhen-2, Align-GVGD) all suggest that this variant is likely to be disruptive, but these predictions have not been confirmed by published functional studies and their clinical significance is uncertain. In summary, the available evidence is currently insufficient to determine the role of this variant in disease. Therefore, it has been classified as a Variant of Uncertain Significance.

NM_001005373.4(LRSAM1):c.1147C>T (p.Arg383Cys)

Gene: LRSAM1 (leucine rich repeat and sterile alpha motif containing 1; plus strand). Cytogenetic location: 9q33.3.
Variant type: single nucleotide variant.
Coding change: c.1147C>T on transcript NM_001005373.4 (MANE Select); coding-DNA position 1147, C replaced by T.
Protein change: p.Arg383Cys; replaces arginine 383 with cysteine.
Molecular consequence: missense variant. On other transcripts: non-coding transcript variant (2).
Genome position (GRCh38, 1-based): chr9:127,483,008, C>T. VCF-style: chr9-127483008-C-T. GRCh37 (hg19) VCF-style: chr9-130245287-C-T.
Other names: c.1147C>T, p.Arg383Cys (NM_001005374.4, NM_001190723.3, NM_001384142.1 and 2 more transcripts); c.358C>T, p.Arg120Cys (NM_001384144.1); c.1147C>T (NM_138361.4); short protein forms R383C, R120C.
Identifiers: ClinVar variation 841118 (VCV000841118.10), dbSNP rs1006024672, ClinGen allele CA199849241.
Genomic context (GRCh38, chr9:127,483,008, plus strand): 5'-AGAATAAGAATGGAACAGTTGATGTCCATAACCCAGGAGGAGACTGAGAGCCTGCGGCGA[C>T]GTGACGTTGCCTGTGAGTTTTGGGATGGGGAGCTTGTGAGCACGCTGCCTGCTGGCTGGG-3'
Protein context (NP_001005373.1, residues 373-393): TQEETESLRR[Arg383Cys]DVASAMQQML